The following is an entry in ClinVar:

ClinVar aggregate classification (germline): Uncertain significance. Review status: criteria provided, multiple submitters, no conflicts (2 of 4 stars). 2 submissions from 2 submitters: Uncertain significance (2). Last evaluated 2023-04-09.

Conditions:
Brachyolmia-amelogenesis imperfecta syndrome. Also called: PLATYSPONDYLY WITH AMELOGENESIS IMPERFECTA; Tooth agenesis, selective, 6; Dental anomalies and short stature. Identifiers: Orphanet 2899, MedGen C1832594, MONDO:0011018, OMIM 601216. Disease mechanism: loss of function.
Inborn genetic diseases. Identifiers: MedGen C0950123, MeSH D030342.

Allele frequency attached by ClinVar (database versions not stated): TOPMed below 0.00001; ExAC 0.00001; gnomAD exomes 0.00001.
gnomAD v4.1: 3 of 1,614,070 alleles (0.00019%); highest among the groups gnomAD compares: Admixed American, 0.0033%; no homozygotes.

Submissions (2):

Labcorp Genetics (formerly Invitae), Labcorp
Classification: Uncertain significance for Brachyolmia-amelogenesis imperfecta syndrome. Last evaluated: 2023-04-09. Review status: criteria provided, single submitter. Criteria: Invitae Variant Classification Sherloc (09022015). Collection method: clinical testing. Allele origin: germline.
Comment: In summary, the available evidence is currently insufficient to determine the role of this variant in disease. Therefore, it has been classified as a Variant of Uncertain Significance. An algorithm developed to predict the effect of missense changes on protein structure and function (PolyPhen-2) suggests that this variant is likely to be disruptive. This variant has not been reported in the literature in individuals affected with LTBP3-related conditions. This variant is present in population databases (rs763373574, gnomAD 0.006%). This sequence change replaces leucine, which is neutral and non-polar, with isoleucine, which is neutral and non-polar, at codon 693 of the LTBP3 protein (p.Leu693Ile).

Ambry Genetics
Classification: Uncertain significance for Inborn genetic diseases. Last evaluated: 2023-02-23. Review status: criteria provided, single submitter. Criteria: Ambry Variant Classification Scheme 2023. Collection method: clinical testing. Allele origin: germline.
Comment: The p.L693I variant (also known as c.2077C>A), located in coding exon 14 of the LTBP3 gene, results from a C to A substitution at nucleotide position 2077. The leucine at codon 693 is replaced by isoleucine, an amino acid with highly similar properties. This amino acid position is conserved. In addition, this alteration is predicted to be tolerated by in silico analysis. Since supporting evidence is limited at this time, the clinical significance of this alteration remains unclear.

NM_001130144.3(LTBP3):c.2077C>A (p.Leu693Ile)

Gene: LTBP3 (latent transforming growth factor beta binding protein 3; minus strand). Cytogenetic location: 11q13.1.
Variant type: single nucleotide variant.
Coding change: c.2077C>A on transcript NM_001130144.3 (MANE Select); coding-DNA position 2077, C replaced by A.
Protein change: p.Leu693Ile; replaces leucine 693 with isoleucine.
Molecular consequence: missense variant.
Genome position (GRCh38, 1-based): chr11:65,547,469, G>T on the plus strand (C>A on the coding strand, the complement: LTBP3 is on the minus strand). VCF-style: chr11-65547469-G-T. GRCh37 (hg19) VCF-style: chr11-65314940-G-T.
Other names: c.1726C>A, p.Leu576Ile (NM_001164266.1); c.2077C>A, p.Leu693Ile (NM_021070.4); short protein forms L576I, L693I.
Identifiers: ClinVar variation 2447599 (VCV002447599.5), dbSNP rs763373574, ClinGen allele CA6100752.
Genomic context (GRCh38, chr11:65,547,469, plus strand): 5'-CCTTCTTTGGTCTGAATGGGGTCCCCTCACCTTCGCACACAGGAGGCCGGGAGGCTTTGA[G>T]CCGGTAGCCGGGGTAGCAGTTGCACTTGTAGTGACCGGGAAAGTTGATGCAGAAGCCGCC-3'
Protein context (NP_001123616.1, residues 683-703): YKCNCYPGYR[Leu693Ile]KASRPPVCED